The following is an entry in ClinVar:

ClinVar aggregate classification (germline): Likely pathogenic (1 of 4 stars; one submission).

Conditions:
Hawkinsinuria. Identifiers: Orphanet 2118, MedGen C2931042, MONDO:0007700, OMIM 140350, HP:0034457.
Tyrosinemia type III. Also called: Tyrosinemia type 3; 4-alpha hydroxyphenylpyruvic acid oxidase deficiency; 4-alpha hydroxyphenylpyruvate dioxygenase deficiency; 4-Hydroxyphenylpyruvate dioxygenase deficiency; 4-HYDROXYPHENYLPYRUVIC ACID OXIDASE DEFICIENCY. Identifiers: Orphanet 69723, MedGen C0268623, MONDO:0010162, OMIM 276710.

Allele frequency attached by ClinVar (database versions not stated): gnomAD exomes below 0.00001.
gnomAD v4.1: 2 of 1,614,132 alleles (0.00012%); highest among the groups gnomAD compares: Non-Finnish European, 0.00017%; no homozygotes.

Submission:

Labcorp Genetics (formerly Invitae), Labcorp
Classification: Likely pathogenic for Tyrosinemia type III; Hawkinsinuria. Last evaluated: 2023-09-21. Review status: criteria provided, single submitter. Criteria: Invitae Variant Classification Sherloc (09022015). Collection method: clinical testing. Allele origin: germline.
Comment: In summary, the currently available evidence indicates that the variant is pathogenic, but additional data are needed to prove that conclusively. Therefore, this variant has been classified as Likely Pathogenic. Algorithms developed to predict the effect of sequence changes on RNA splicing suggest that this variant may disrupt the consensus splice site. This variant has not been reported in the literature in individuals affected with HPD-related conditions. This variant is not present in population databases (gnomAD no frequency). This sequence change affects an acceptor splice site in intron 1 of the HPD gene. It is expected to disrupt RNA splicing. Variants that disrupt the donor or acceptor splice site typically lead to a loss of protein function (PMID: 16199547), and loss-of-function variants in HPD are known to be pathogenic (PMID: 10942115, 23036342).

Literature cited by the submitters: PubMed 16199547; PubMed 10942115; PubMed 23036342.

NM_002150.3(HPD):c.4-2A>G

Genes: HPD (4-hydroxyphenylpyruvate dioxygenase; minus strand), TIALD (transcript inducer of AURKA lysosomal degradation; plus strand). Cytogenetic location: 12q24.31.
Variant type: single nucleotide variant.
Coding change: c.4-2A>G on transcript NM_002150.3 (MANE Select); the canonical splice acceptor site of the intron before coding-DNA position 4, A replaced by G.
Molecular consequence: splice acceptor variant.
Genome position (GRCh38, 1-based): chr12:121,858,715, T>C on the plus strand (A>G on the coding strand, the complement: HPD is on the minus strand). VCF-style: chr12-121858715-T-C. GRCh37 (hg19) VCF-style: chr12-122296621-T-C.
Other names: c.-114-2A>G (NM_001171993.2).
Identifiers: ClinVar variation 2944024 (VCV002944024.3), dbSNP rs2500331848, ClinGen allele CA387003636.